The following is an entry in ClinVar:

ClinVar aggregate classification (germline): Pathogenic (1 of 4 stars; one submission).

Submission:

Labcorp Genetics (formerly Invitae), Labcorp
Classification: Pathogenic. Last evaluated: 2021-07-17. Review status: criteria provided, single submitter. Criteria: Invitae Variant Classification Sherloc (09022015). Collection method: clinical testing. Allele origin: germline.
Comment: For these reasons, this variant has been classified as Pathogenic. This variant has not been reported in the literature in individuals affected with EYS-related conditions. This variant is a gross deletion of the genomic region encompassing exon(s) 13-18 of the EYS gene. This deletion is out-of-frame, and is expected to create a premature translational stop signal and result in an absent or disrupted protein product. Loss-of-function variants in EYS are known to be pathogenic (PMID: 18836446, 20333770).

Literature cited by the submitters: PubMed 18836446; PubMed 20333770.

NC_000006.11:g.(?_65611986)_(65767640_?)del

Gene: EYS (eyes shut homolog; minus strand). Cytogenetic location: 6q12.
Variant type: Deletion.
Identifiers: ClinVar variation 1455340 (VCV001455340.4).